The following is an entry in ClinVar:

ClinVar aggregate classification (germline): Benign/Likely benign. Review status: criteria provided, multiple submitters, no conflicts (2 of 4 stars). 2 submissions from 2 submitters: Benign (1); Likely benign (1). Last evaluated 2025-06-04.

Conditions:
Tuberous sclerosis 2 (TSC2). Identifiers: Orphanet 805, MedGen C1860707, MONDO:0013199, OMIM 613254.

Submissions (2):

Myriad Genetics, Inc.
Classification: Benign for Tuberous sclerosis 2. Last evaluated: 2025-06-04. Review status: criteria provided, single submitter. Criteria: Myriad Autosomal Dominant, Autosomal Recessive and X-Linked Classification Criteria (2023). Collection method: clinical testing. Allele origin: unknown.
Comment: This variant is considered benign. This variant is a silent/synonymous amino acid change and it is not expected to impact splicing.

Labcorp Genetics (formerly Invitae), Labcorp
Classification: Likely benign for Tuberous sclerosis 2. Last evaluated: 2021-12-27. Review status: criteria provided, single submitter. Criteria: Invitae Variant Classification Sherloc (09022015). Collection method: clinical testing. Allele origin: germline.

NM_000548.5(TSC2):c.4689C>A (p.Ser1563=)

Gene: TSC2 (TSC complex subunit 2; plus strand). Cytogenetic location: 16p13.3.
Variant type: single nucleotide variant.
Coding change: c.4689C>A on transcript NM_000548.5 (MANE Select); coding-DNA position 4689, C replaced by A.
Protein change: p.Ser1563=; no amino-acid change (serine 1563 retained).
Molecular consequence: synonymous variant. On other transcripts: non-coding transcript variant (5).
Genome position (GRCh38, 1-based): chr16:2,086,219, C>A. VCF-style: chr16-2086219-C-A. GRCh37 (hg19) VCF-style: chr16-2136220-C-A.
Other names: c.4488C>A, p.Ser1496= (NM_001077183.3); c.4620C>A, p.Ser1540= (NM_001114382.3); c.4380C>A, p.Ser1460= (NM_001318827.2); c.4344C>A, p.Ser1448= (NM_001318829.2); c.3957C>A, p.Ser1319= (NM_001318831.2); c.4521C>A, p.Ser1507= (NM_001318832.2); c.4491C>A, p.Ser1497= (NM_001363528.2); c.4557C>A, p.Ser1519= (NM_001370404.1); and 26 more.
Identifiers: ClinVar variation 1924276 (VCV001924276.6), dbSNP rs45517363, ClinGen allele CA493043515.